The following is an entry in ClinVar:

NM_001297.5(CNGB1):c.1563G>T (p.Glu521Asp)

Gene: CNGB1 (cyclic nucleotide gated channel subunit beta 1; minus strand). Cytogenetic location: 16q21.
Variant type: single nucleotide variant.
Coding change: c.1563G>T on transcript NM_001297.5 (MANE Select); coding-DNA position 1563, G replaced by T.
Protein change: p.Glu521Asp; replaces glutamic acid 521 with aspartic acid.
Molecular consequence: missense variant.
Genome position (GRCh38, 1-based): chr16:57,923,353, C>A on the plus strand (G>T on the coding strand, the complement: CNGB1 is on the minus strand). VCF-style: chr16-57923353-C-A. GRCh37 (hg19) VCF-style: chr16-57957257-C-A.
Other names: c.1545G>T, p.Glu515Asp (NM_001286130.2); short protein forms E515D, E521D.
Identifiers: ClinVar variation 1401695 (VCV001401695.7), dbSNP rs1366129155, ClinGen allele CA396068030.

ClinVar aggregate classification (germline): Uncertain significance. Review status: criteria provided, multiple submitters, no conflicts (2 of 4 stars). 2 submissions from 2 submitters: Uncertain significance (2). Last evaluated 2022-06-16.

Allele frequency attached by ClinVar (database versions not stated): gnomAD exomes below 0.00001; gnomAD 0.00001; TOPMed 0.00003.

Submissions (2):

Blueprint Genetics
Classification: Uncertain significance. Last evaluated: 2022-06-16. Review status: criteria provided, single submitter. Criteria: ACMG Guidelines, 2015. Collection method: clinical testing. Allele origin: germline.

Labcorp Genetics (formerly Invitae), Labcorp
Classification: Uncertain significance. Last evaluated: 2022-02-24. Review status: criteria provided, single submitter. Criteria: Invitae Variant Classification Sherloc (09022015). Collection method: clinical testing. Allele origin: germline.
Comment: In summary, the available evidence is currently insufficient to determine the role of this variant in disease. Therefore, it has been classified as a Variant of Uncertain Significance. Advanced modeling of protein sequence and biophysical properties (such as structural, functional, and spatial information, amino acid conservation, physicochemical variation, residue mobility, and thermodynamic stability) performed at Invitae indicates that this missense variant is not expected to disrupt CNGB1 protein function. This variant has not been reported in the literature in individuals affected with CNGB1-related conditions. This variant is present in population databases (no rsID available, gnomAD 0.0009%). This sequence change replaces glutamic acid, which is acidic and polar, with aspartic acid, which is acidic and polar, at codon 521 of the CNGB1 protein (p.Glu521Asp).